The following is an entry in ClinVar:

ClinVar aggregate classification (germline): Uncertain significance (1 of 4 stars; one submission).

Submission:

Labcorp Genetics (formerly Invitae), Labcorp
Classification: Uncertain significance. Last evaluated: 2022-06-17. Review status: criteria provided, single submitter. Criteria: Invitae Variant Classification Sherloc (09022015). Collection method: clinical testing. Allele origin: germline.
Comment: This missense change has been observed in individual(s) with craniofrontonasal syndrome (PMID: 15959873). In summary, the available evidence is currently insufficient to determine the role of this variant in disease. Therefore, it has been classified as a Variant of Uncertain Significance. This variant disrupts the p.Cys153 amino acid residue in EFNB1. Other variant(s) that disrupt this residue have been observed in individuals with EFNB1-related conditions (PMID: 15959873), which suggests that this may be a clinically significant amino acid residue. Algorithms developed to predict the effect of missense changes on protein structure and function (SIFT, PolyPhen-2, Align-GVGD) all suggest that this variant is likely to be disruptive. This variant is not present in population databases (gnomAD no frequency). This sequence change replaces cysteine, which is neutral and slightly polar, with tyrosine, which is neutral and polar, at codon 153 of the EFNB1 protein (p.Cys153Tyr).

Literature cited by the submitters: PubMed 15959873.

NM_004429.5(EFNB1):c.458G>A (p.Cys153Tyr)

Gene: EFNB1 (ephrin B1; plus strand). Cytogenetic location: Xq13.1.
Variant type: single nucleotide variant.
Coding change: c.458G>A on transcript NM_004429.5 (MANE Select); coding-DNA position 458, G replaced by A.
Protein change: p.Cys153Tyr; replaces cysteine 153 with tyrosine.
Molecular consequence: missense variant.
Genome position (GRCh38, 1-based): chrX:68,839,715, G>A. VCF-style: chrX-68839715-G-A. GRCh37 (hg19) VCF-style: chrX-68059558-G-A.
Other names: short protein forms C153Y.
Identifiers: ClinVar variation 2138592 (VCV002138592.4), dbSNP rs2519539248, ClinGen allele CA413437999.
Genomic context (GRCh38, chrX:68,839,715, plus strand): 5'-TTCCTGCAGCAACATCCAATGGAAGCCTGGAGGGGCTGGAAAACCGGGAGGGCGGTGTGT[G>A]CCGCACACGCACCATGAAGATCATCATGAAGGTTGGGCAAGGTGAGTGCCTAGTCTGAGG-3'
Protein context (NP_004420.1, residues 143-163): EGLENREGGV[Cys153Tyr]RTRTMKIIMK